The following is an entry in ClinVar:

NM_001111125.3(IQSEC2):c.1115G>C (p.Ser372Thr)

Gene: IQSEC2 (IQ motif and Sec7 domain ArfGEF 2; minus strand). Cytogenetic location: Xp11.22.
Variant type: single nucleotide variant.
Coding change: c.1115G>C on transcript NM_001111125.3 (MANE Select); coding-DNA position 1115, G replaced by C.
Protein change: p.Ser372Thr; replaces serine 372 with threonine.
Molecular consequence: missense variant.
Genome position (GRCh38, 1-based): chrX:53,254,816, C>G on the plus strand (G>C on the coding strand, the complement: IQSEC2 is on the minus strand). VCF-style: chrX-53254816-C-G. GRCh37 (hg19) VCF-style: chrX-53283998-C-G.
Other names: c.500G>C, p.Ser167Thr (NM_015075.2); short protein forms S167T, S372T.
Identifiers: ClinVar variation 1023680 (VCV001023680.9), dbSNP rs2074442571, ClinGen allele CA413170078.

ClinVar aggregate classification (germline): Uncertain significance (1 of 4 stars; one submission).

Conditions:
Intellectual developmental disorder, X-linked 1. Also called: Atkin Flaitz Patil Smith syndrome; Intellectual disability, X-linked 1; MENTAL RETARDATION, X-LINKED 18; MENTAL RETARDATION, X-LINKED 78. Identifiers: Orphanet 777, MedGen C2931498, MONDO:0010656, OMIM 309530.

Submission:

Labcorp Genetics (formerly Invitae), Labcorp
Classification: Uncertain significance for Intellectual developmental disorder, X-linked 1. Last evaluated: 2020-06-05. Review status: criteria provided, single submitter. Criteria: Invitae Variant Classification Sherloc (09022015). Collection method: clinical testing. Allele origin: germline.
Comment: This sequence change replaces serine with threonine at codon 372 of the IQSEC2 protein (p.Ser372Thr). The serine residue is moderately conserved and there is a small physicochemical difference between serine and threonine. This variant is not present in population databases (ExAC no frequency). This variant has not been reported in the literature in individuals with IQSEC2-related conditions. Algorithms developed to predict the effect of missense changes on protein structure and function are either unavailable or do not agree on the potential impact of this missense change (SIFT: "Tolerated"; PolyPhen-2: "Possibly Damaging"; Align-GVGD: "Class C0"). In summary, the available evidence is currently insufficient to determine the role of this variant in disease. Therefore, it has been classified as a Variant of Uncertain Significance.